The following is an entry in ClinVar:

NC_000016.10:g.56865169_56865258del

Gene: SLC12A3 (solute carrier family 12 member 3; plus strand). Cytogenetic location: 16q13.
Variant type: Deletion.
Genome position: GRCh38: chr16:56,865,169-56,865,258. GRCh37 (hg19): chr16:56,899,081-56,899,170.
Identifiers: ClinVar variation 2760580 (VCV002760580.3), dbSNP rs1964318459, ClinGen allele CA977635660.

ClinVar aggregate classification (germline): Pathogenic (1 of 4 stars; one submission).

Submission:

Labcorp Genetics (formerly Invitae), Labcorp
Classification: Pathogenic. Last evaluated: 2023-09-14. Review status: criteria provided, single submitter. Criteria: Invitae Variant Classification Sherloc (09022015). Collection method: clinical testing. Allele origin: germline.
Comment: This variant results in the deletion of part of exon 1 (c.-67_23del) of the SLC12A3 gene. It is expected to result in an absent or disrupted protein product. Loss-of-function variants in SLC12A3 are known to be pathogenic (PMID: 20848653, 22009145, 25841442). This variant is not present in population databases (gnomAD no frequency). This variant has not been reported in the literature in individuals affected with SLC12A3-related conditions. For these reasons, this variant has been classified as Pathogenic.

Literature cited by the submitters: PubMed 20848653; PubMed 22009145; PubMed 25841442.